The following is an entry in ClinVar:

ClinVar aggregate classification (germline): Uncertain significance (1 of 4 stars; one submission).

Submission:

GeneDx
Classification: Uncertain significance. Last evaluated: 2024-12-16. Review status: criteria provided, single submitter. Criteria: GeneDx Variant Classification Process June 2021. Collection method: clinical testing. Allele origin: germline. Affected: yes.
Comment: Not observed at significant frequency in large population cohorts (gnomAD); In silico analysis supports that this missense variant has a deleterious effect on protein structure/function; Has not been previously published as pathogenic or benign to our knowledge

NM_014159.7(SETD2):c.7523T>A (p.Leu2508Gln)

Gene: SETD2 (SET domain containing 2, histone lysine methyltransferase; minus strand). Cytogenetic location: 3p21.31.
Variant type: single nucleotide variant.
Coding change: c.7523T>A on transcript NM_014159.7 (MANE Select); coding-DNA position 7523, T replaced by A.
Protein change: p.Leu2508Gln; replaces leucine 2508 with glutamine.
Molecular consequence: missense variant. On other transcripts: non-coding transcript variant (1).
Genome position (GRCh38, 1-based): chr3:47,017,648, A>T on the plus strand (T>A on the coding strand, the complement: SETD2 is on the minus strand). VCF-style: chr3-47017648-A-T. GRCh37 (hg19) VCF-style: chr3-47059138-A-T.
Other names: c.7391T>A, p.Leu2464Gln (NM_001349370.3); short protein forms L2464Q, L2508Q.
Identifiers: ClinVar variation 3902978 (VCV003902978.1).